The following is an entry in ClinVar:

NM_001854.4(COL11A1):c.3758A>G (p.Glu1253Gly)

Gene: COL11A1 (collagen type XI alpha 1 chain; minus strand). Cytogenetic location: 1p21.1.
Variant type: single nucleotide variant.
Coding change: c.3758A>G on transcript NM_001854.4 (MANE Select); coding-DNA position 3758, A replaced by G.
Protein change: p.Glu1253Gly; replaces glutamic acid 1253 with glycine.
Molecular consequence: missense variant. On other transcripts: non-coding transcript variant (1).
Genome position (GRCh38, 1-based): chr1:102,920,315, T>C on the plus strand (A>G on the coding strand, the complement: COL11A1 is on the minus strand). VCF-style: chr1-102920315-T-C. GRCh37 (hg19) VCF-style: chr1-103385871-T-C.
Other names: c.3641A>G, p.Glu1214Gly (NM_001190709.2); c.3794A>G, p.Glu1265Gly (NM_080629.3); c.3410A>G, p.Glu1137Gly (NM_080630.4); short protein forms E1137G, E1214G, E1253G, E1265G.
Identifiers: ClinVar variation 1298433 (VCV001298433.37), dbSNP rs2101066506, ClinGen allele CA341163663.

ClinVar aggregate classification (germline): Uncertain significance. Review status: criteria provided, multiple submitters, no conflicts (2 of 4 stars). 2 submissions from 2 submitters: Uncertain significance (2). Last evaluated 2024-05-06.

Allele frequency attached by ClinVar (database versions not stated): gnomAD exomes below 0.00001.
gnomAD v4.1: 1 of 1,613,228 alleles (0.000062%); highest among the groups gnomAD compares: Non-Finnish European, 0.000085%; no homozygotes.

Submissions (2):

Labcorp Genetics (formerly Invitae), Labcorp
Classification: Uncertain significance. Last evaluated: 2024-05-06. Review status: criteria provided, single submitter. Criteria: Invitae Variant Classification Sherloc (09022015). Collection method: clinical testing. Allele origin: germline.
Comment: This sequence change replaces glutamic acid, which is acidic and polar, with glycine, which is neutral and non-polar, at codon 1253 of the COL11A1 protein (p.Glu1253Gly). This variant is not present in population databases (gnomAD no frequency). This variant has not been reported in the literature in individuals affected with COL11A1-related conditions. ClinVar contains an entry for this variant (Variation ID: 1298433). Advanced modeling of protein sequence and biophysical properties (such as structural, functional, and spatial information, amino acid conservation, physicochemical variation, residue mobility, and thermodynamic stability) has been performed at Invitae for this missense variant, however the output from this modeling did not meet the statistical confidence thresholds required to predict the impact of this variant on COL11A1 protein function. In summary, the available evidence is currently insufficient to determine the role of this variant in disease. Therefore, it has been classified as a Variant of Uncertain Significance.

CeGaT Center for Human Genetics Tuebingen
Classification: Uncertain significance. Last evaluated: 2022-06-01. Review status: criteria provided, single submitter. Criteria: CeGaT Center For Human Genetics Tuebingen Variant Classification Criteria Version 2. Collection method: clinical testing. Allele origin: germline. Affected: yes. Observed: 2 variant alleles.